The following is an entry in ClinVar:

NM_015021.3(ZNF292):c.4789C>T (p.Gln1597Ter)

Gene: ZNF292 (zinc finger protein 292; plus strand). Cytogenetic location: 6q14.3.
Variant type: single nucleotide variant.
Coding change: c.4789C>T on transcript NM_015021.3 (MANE Select); coding-DNA position 4789, C replaced by T.
Protein change: p.Gln1597Ter; replaces glutamine 1597 with a stop codon.
Molecular consequence: nonsense.
Genome position (GRCh38, 1-based): chr6:87,258,418, C>T. VCF-style: chr6-87258418-C-T. GRCh37 (hg19) VCF-style: chr6-87968136-C-T.
Other names: c.4369C>T, p.Gln1457Ter (NM_001351444.2); short protein forms Q1457*, Q1597*.
Identifiers: ClinVar variation 3897571 (VCV003897571.1).
Genomic context (GRCh38, chr6:87,258,418, plus strand): 5'-CTGAAGACTGTTGAAAATGGTTTGTGCTCTAGTTCATTTCCTAATTCTGGTGGGCCATCA[C>T]AAAATTTTACCAGTAACAGTTCTCGTGTTTCTGTTATAAGTGGTCCTCAGAACACAAGAT-3'

ClinVar aggregate classification (germline): Pathogenic (1 of 4 stars; one submission).

Conditions:
Intellectual developmental disorder, autosomal dominant 64. Also called: MENTAL RETARDATION, AUTOSOMAL DOMINANT 64. Identifiers: MedGen C5543067, MONDO:0030934, OMIM 619188.

Submission:

Genetics Laboratory, UDIAT-Centre Diagnòstic, Hospital Universitari Parc Tauli
Classification: Pathogenic for intellectual developmental disorder, autosomal dominant 64. Last evaluated: 2024-05-23. Review status: criteria provided, single submitter. Criteria: ACMG Guidelines, 2015. Collection method: clinical testing. Allele origin: unknown. Inheritance: Autosomal dominant inheritance. Affected: yes.
Comment: PVS1_very strong;PM2_supporting;PM6_moderate